The following is an entry in ClinVar:

NM_005502.4(ABCA1):c.4773+8G>A

Gene: ABCA1 (ATP binding cassette subfamily A member 1; minus strand). Cytogenetic location: 9q31.1.
Variant type: single nucleotide variant.
Coding change: c.4773+8G>A on transcript NM_005502.4 (MANE Select); 8 bases into the intron after coding-DNA position 4773, G replaced by A.
Molecular consequence: intron variant.
Genome position (GRCh38, 1-based): chr9:104,800,502, C>T on the plus strand (G>A on the coding strand, the complement: ABCA1 is on the minus strand). VCF-style: chr9-104800502-C-T. GRCh37 (hg19) VCF-style: chr9-107562783-C-T.
Other names: c.4773+8G>A (NM_005502.3).
Identifiers: ClinVar variation 1528293 (VCV001528293.9), dbSNP rs199877059, ClinGen allele CA5168023.

ClinVar aggregate classification (germline): Likely benign. Review status: criteria provided, single submitter (1 of 4 stars). 2 submissions from 2 submitters: Likely benign (1). 1 of the submissions does not count toward it. Last evaluated 2022-05-25.

Conditions:
ABCA1-related disorder. Also called: ABCA1-related disorders; ABCA1-related condition. Identifiers: MedGen CN239173.

Allele frequency attached by ClinVar (database versions not stated): ExAC 0.00001; TOPMed 0.00001; gnomAD 0.00003.
gnomAD v4.1: 12 of 1,610,962 alleles (0.00074%); highest among the groups gnomAD compares: Admixed American, 0.0017%; no homozygotes.

Submissions (2):

Labcorp Genetics (formerly Invitae), Labcorp
Classification: Likely benign. Last evaluated: 2022-05-25. Review status: criteria provided, single submitter. Criteria: Invitae Variant Classification Sherloc (09022015). Collection method: clinical testing. Allele origin: germline.

PreventionGenetics, part of Exact Sciences
Classification: Likely benign for ABCA1-related condition. Last evaluated: 2019-09-17. Review status: no assertion criteria provided. Collection method: clinical testing. Allele origin: germline. Not counted in ClinVar's aggregate classification.
Comment: This variant is classified as likely benign based on ACMG/AMP sequence variant interpretation guidelines (Richards et al. 2015 PMID: 25741868, with internal and published modifications).